The following is an entry in ClinVar:

ClinVar aggregate classification (germline): Uncertain significance (1 of 4 stars; one submission).

Submission:

Labcorp Genetics (formerly Invitae), Labcorp
Classification: Uncertain significance. Last evaluated: 2022-03-10. Review status: criteria provided, single submitter. Criteria: Invitae Variant Classification Sherloc (09022015). Collection method: clinical testing. Allele origin: germline.
Comment: This variant has not been reported in the literature in individuals affected with FAT4-related conditions. This sequence change replaces isoleucine, which is neutral and non-polar, with valine, which is neutral and non-polar, at codon 1459 of the FAT4 protein (p.Ile1459Val). This variant is not present in population databases (gnomAD no frequency). Advanced modeling of protein sequence and biophysical properties (such as structural, functional, and spatial information, amino acid conservation, physicochemical variation, residue mobility, and thermodynamic stability) performed at Invitae indicates that this missense variant is not expected to disrupt FAT4 protein function. In summary, the available evidence is currently insufficient to determine the role of this variant in disease. Therefore, it has been classified as a Variant of Uncertain Significance.

NM_001291303.3(FAT4):c.4375A>G (p.Ile1459Val)

Gene: FAT4 (FAT atypical cadherin 4; plus strand). Cytogenetic location: 4q28.1.
Variant type: single nucleotide variant.
Coding change: c.4375A>G on transcript NM_001291303.3 (MANE Select); coding-DNA position 4375, A replaced by G.
Protein change: p.Ile1459Val; replaces isoleucine 1459 with valine.
Molecular consequence: missense variant.
Genome position (GRCh38, 1-based): chr4:125,320,786, A>G. VCF-style: chr4-125320786-A-G. GRCh37 (hg19) VCF-style: chr4-126241941-A-G.
Other names: c.4375A>G, p.Ile1459Val (NM_001291285.3, NM_024582.6); short protein forms I1459V.
Identifiers: ClinVar variation 2108607 (VCV002108607.4), dbSNP rs2530451007, ClinGen allele CA358126272.